The following is an entry in ClinVar:

NM_012144.4(DNAI1):c.202C>T (p.Arg68Trp)

Gene: DNAI1 (dynein axonemal intermediate chain 1; plus strand). Cytogenetic location: 9p13.3.
Variant type: single nucleotide variant.
Coding change: c.202C>T on transcript NM_012144.4 (MANE Select); coding-DNA position 202, C replaced by T.
Protein change: p.Arg68Trp; replaces arginine 68 with tryptophan.
Molecular consequence: missense variant.
Genome position (GRCh38, 1-based): chr9:34,485,458, C>T. VCF-style: chr9-34485458-C-T. GRCh37 (hg19) VCF-style: chr9-34485456-C-T.
Other names: c.202C>T, p.Arg68Trp (NM_001281428.2); short protein forms R68W.
Identifiers: ClinVar variation 3084250 (VCV003084250.2), dbSNP rs759540568, ClinGen allele CA5033973.
Genomic context (GRCh38, chr9:34,485,458, plus strand): 5'-GTCTTCATGTATGACCCTCTTGGTATTTTTCTCCCTCAGGAGTTAAAGGAGGAGTTCACT[C>T]GGATTTTGACAGCCAACAACCCACACGCACCCCAGAACATTGTCAGGTACAGCTTCAAAG-3'
Protein context (NP_036276.1, residues 58-78): TDAELKEEFT[Arg68Trp]ILTANNPHAP

ClinVar aggregate classification (germline): Uncertain significance. Review status: criteria provided, multiple submitters, no conflicts (2 of 4 stars). 2 submissions from 2 submitters: Uncertain significance (2). Last evaluated 2025-05-06.

Conditions:
Kartagener syndrome (CILD1). Also called: CILIARY DYSKINESIA, PRIMARY, 1; CILIARY DYSKINESIA, PRIMARY, 1, WITH OR WITHOUT SITUS INVERSUS; IMMOTILE CILIA SYNDROME; POLYNESIAN BRONCHIECTASIS; Dextrocardia bronchiectasis and sinusitis; SIEWERT SYNDROME. Identifiers: Orphanet 244, MedGen C4551906, MONDO:0009484, OMIM 244400.
Primary ciliary dyskinesia. Also called: Ciliary dyskinesia. Identifiers: Orphanet 244, MedGen C0008780, MONDO:0016575, HP:0012265.

Allele frequency attached by ClinVar (database versions not stated): ExAC 0.00002.

Submissions (2):

ARUP Laboratories, Molecular Genetics and Genomics, ARUP Laboratories
Classification: Uncertain significance for Kartagener syndrome. Last evaluated: 2025-05-06. Review status: criteria provided, single submitter. Criteria: ARUP Molecular Germline Variant Investigation Process 2024. Collection method: clinical testing. Allele origin: germline.
Comment: The DNAI1 c.202C>T; p.Arg68Trp variant (rs759540568), to our knowledge, is not reported in the medical literature but is reported in ClinVar (Variation ID: 3084250). This variant is found in the non-Finnish European population with an allele frequency of 0.005% (6/113,742 alleles) in the Genome Aggregation Database (v2.1.1). Computational analyses are uncertain whether this variant is neutral or deleterious (REVEL: 0.677). Due to limited information, the clinical significance of this variant is uncertain at this time.

Ambry Genetics
Classification: Uncertain significance for Primary ciliary dyskinesia. Last evaluated: 2024-01-03. Review status: criteria provided, single submitter. Criteria: Ambry Variant Classification Scheme 2023. Collection method: clinical testing. Allele origin: germline.